The following continues an entry in ClinVar:

NM_005732.4(RAD50):c.1094G>A (p.Arg365Gln)

Gene: RAD50. ClinVar aggregate classification (germline): Conflicting classifications of pathogenicity. Uncertain significance (9); Benign (1); Likely benign (2).

Submissions 13 to 14 of 14:

PreventionGenetics, part of Exact Sciences
Classification: Uncertain significance for RAD50-related condition. Last evaluated: 2024-05-14. Review status: no assertion criteria provided. Collection method: clinical testing. Allele origin: germline. Not counted in ClinVar's aggregate classification.
Comment: The RAD50 c.1094G>A variant is predicted to result in the amino acid substitution p.Arg365Gln. This variant has been reported as a variant of uncertain significance in patients tested using a panel of genes for hereditary cancer syndrome (Table S5, Tsaousis et al. 2019. PubMed ID 3115974), as well as in patients with breast or ovarian cancer (Table S9, Bonache et al. 2018. PubMed ID: 30306255; Damiola et al. 2014. PubMed ID 24894818; Table S1, Koczkowska et al. 2018. PubMed ID: 30441849; Table S12, Lu et al. 2015. PubMed ID 26689913; Table 4, Fanale et al. 2020. PubMed ID 32854451). It has also been reported in a metastatic liver biopsy specimen (Table S2, Parachoniak et al. 2017. PubMed ID: 28550065). This variant is reported in 0.061% of alleles in individuals of European (Non-Finnish) descent in gnomAD and has conflicting interpretations regarding its pathogenicity in ClinVar, ranging from likely benign to uncertain. At this time, the clinical significance of this variant is uncertain due to the absence of conclusive functional and genetic evidence.

Department of Pathology and Laboratory Medicine, Sinai Health System
Classification: Likely benign. Review status: no assertion criteria provided. Collection method: clinical testing. Allele origin: unknown. Affected: yes. Study: The Canadian Open Genetics Repository (COGR). Not counted in ClinVar's aggregate classification.
Comment: The RAD50 p.Arg365Gln variant was identified in 5 of 10694 proband chromosomes (frequency: 0.000468) from individuals or families with breast and ovarian cancer and was not identified in 1121 control chromosomes from healthy individuals (Damiola_2014_24894818; Lu_2015_PMID: 26689913). The variant was also identified in dbSNP (ID: rs146370443), ClinVar (conflicting interpretations of pathogenicity: one likely benign submission by Ambry Genetics and four VUS submissions by GeneDx, Invitae, Fulgent Genetics and GeneKor MSA; associated conditions are Nijmegen breakage syndrome-like disorder and Hereditary cancer-predisposing syndrome. The variant was identified in control databases in 122 of 282506 chromosomes at a frequency of 0.000432 increasing the likelihood this could be a low frequency benign variant (Genome Aggregation Database Feb 27, 2017). The variant was not identified in the Cosmic and LOVD 3.0 databases. The variant was observed in the following populations: European (non-Finnish) in 79 of 128920 chromosomes (freq: 0.000613), East Asian in 12 of 19952 chromosomes (freq: 0.000601), South Asian in 16 of 30592 chromosomes (freq: 0.000523), Other in 3 of 7210 chromosomes (freq: 0.000416), Latino in 8 of 35398 chromosomes (freq: 0.000226), European (Finnish) in 4 of 25110 chromosomes (freq: 0.000159), while the variant was not observed in the African, and Ashkenazi Jewish populations. The variant occurs outside of the splicing consensus sequence and in silico or computational prediction software programs (SpliceSiteFinder, MaxEntScan, NNSPLICE, GeneSplicer) do not predict a difference in splicing. The p.Arg365 residue is not conserved in mammals and computational analyses (PolyPhen-2, SIFT, AlignGVGD, BLOSUM, MutationTaster) do not suggest a high likelihood of impact to the protein; however, this information is not predictive enough to rule out pathogenicity. In summary, based on the above information the clinical significance of this variant cannot be determined with certainty at this time although we would lean towards a more benign role for this variant. This variant is classified as likely benign.

Literature cited by the submitters: PubMed 24894818 (cited by 4 submitters); PubMed 26689913 (cited by 4 submitters); PubMed 30306255 (cited by 3 submitters); PubMed 30441849 (cited by 3 submitters); PubMed 35534704 (cited by Labcorp Genetics (formerly Invitae), Labcorp and Quest Diagnostics Nichols Institute San Juan Capistrano); PubMed 33471991 (cited by Quest Diagnostics Nichols Institute San Juan Capistrano); PubMed 33563768 (cited by Quest Diagnostics Nichols Institute San Juan Capistrano); PubMed 32854451 (cited by Quest Diagnostics Nichols Institute San Juan Capistrano); PubMed 31159747 (cited by Quest Diagnostics Nichols Institute San Juan Capistrano and Women's Health and Genetics/Laboratory Corporation of America, LabCorp); PubMed 28550065 (cited by Quest Diagnostics Nichols Institute San Juan Capistrano and Women's Health and Genetics/Laboratory Corporation of America, LabCorp); PubMed 26787654 (cited by Quest Diagnostics Nichols Institute San Juan Capistrano and Women's Health and Genetics/Laboratory Corporation of America, LabCorp); PubMed 38136308 (cited by Quest Diagnostics Nichols Institute San Juan Capistrano); PubMed 35127508 (cited by Quest Diagnostics Nichols Institute San Juan Capistrano); PubMed 36011273 (cited by Quest Diagnostics Nichols Institute San Juan Capistrano).